The following is an entry in ClinVar:

NM_014049.5(ACAD9):c.1705A>C (p.Asn569His)

Genes: CFAP92 (cilia and flagella associated protein 92 (putative); minus strand), ACAD9 (acyl-CoA dehydrogenase family member 9; plus strand). Cytogenetic location: 3q21.3.
Variant type: single nucleotide variant.
Coding change: c.1705A>C on transcript NM_014049.5 (MANE Select); coding-DNA position 1705, A replaced by C.
Protein change: p.Asn569His; replaces asparagine 569 with histidine.
Molecular consequence: missense variant. On other transcripts: non-coding transcript variant (1), intron variant (3).
Genome position (GRCh38, 1-based): chr3:128,910,753, A>C. VCF-style: chr3-128910753-A-C. GRCh37 (hg19) VCF-style: chr3-128629596-A-C.
Other names: c.1336A>C, p.Asn446His (NM_001410805.1); c.2312-420T>G (NM_001348521.2); c.2408-420T>G (NM_001348520.2); c.3281-420T>G (NM_001394090.1); short protein forms N569H, N446H.
Identifiers: ClinVar variation 900093 (VCV000900093.7), dbSNP rs769529395, ClinGen allele CA2601683.

ClinVar aggregate classification (germline): Uncertain significance. Review status: criteria provided, multiple submitters, no conflicts (2 of 4 stars). 3 submissions from 3 submitters: Uncertain significance (3). Last evaluated 2025-12-04.

Conditions:
Inborn genetic diseases. Identifiers: MedGen C0950123, MeSH D030342.
Acyl-CoA dehydrogenase 9 deficiency. Also called: Acyl-CoA dehydrogenase family, member 9, deficiency of; MITOCHONDRIAL COMPLEX I DEFICIENCY, NUCLEAR TYPE 20. Identifiers: Orphanet 99901, MedGen C4747517, MONDO:0012624, OMIM 611126.

Allele frequency attached by ClinVar (database versions not stated): gnomAD exomes below 0.00001 and 0.00001; ExAC 0.00001; gnomAD 0.00001; TOPMed 0.00001.
gnomAD v4.1: 9 of 1,614,060 alleles (0.00056%); highest among the groups gnomAD compares: Non-Finnish European, 0.00076%; no homozygotes.

Submissions (3):

Ambry Genetics
Classification: Uncertain significance for Inborn genetic diseases. Last evaluated: 2025-12-04. Review status: criteria provided, single submitter. Criteria: Ambry Variant Classification Scheme 2023. Collection method: clinical testing. Allele origin: germline.

Labcorp Genetics (formerly Invitae), Labcorp
Classification: Uncertain significance. Last evaluated: 2021-10-16. Review status: criteria provided, single submitter. Criteria: Invitae Variant Classification Sherloc (09022015). Collection method: clinical testing. Allele origin: germline.
Comment: This sequence change replaces asparagine with histidine at codon 569 of the ACAD9 protein (p.Asn569His). The asparagine residue is moderately conserved and there is a small physicochemical difference between asparagine and histidine. This variant is present in population databases (rs769529395, ExAC 0.001%). This variant has not been reported in the literature in individuals with ACAD9-related conditions. Algorithms developed to predict the effect of missense changes on protein structure and function (SIFT, PolyPhen-2, Align-GVGD) all suggest that this variant is likely to be tolerated, but these predictions have not been confirmed by published functional studies and their clinical significance is uncertain. In summary, the available evidence is currently insufficient to determine the role of this variant in disease. Therefore, it has been classified as a Variant of Uncertain Significance.

Illumina Laboratory Services, Illumina
Classification: Uncertain significance for Acyl-CoA dehydrogenase 9 deficiency. Last evaluated: 2018-01-13. Review status: criteria provided, single submitter. Criteria: ICSL Variant Classification Criteria 13 December 2019. Collection method: clinical testing. Allele origin: germline.